The following is an entry in ClinVar:

NM_004006.3(DMD):c.3151C>T (p.Arg1051Ter)

Gene: DMD (dystrophin; minus strand). Cytogenetic location: Xp21.1.
Variant type: single nucleotide variant.
Coding change: c.3151C>T on transcript NM_004006.3 (MANE Select); coding-DNA position 3151, C replaced by T.
Protein change: p.Arg1051Ter; replaces arginine 1051 with a stop codon.
Molecular consequence: nonsense.
Genome position (GRCh38, 1-based): chrX:32,468,509, G>A on the plus strand (C>T on the coding strand, the complement: DMD is on the minus strand). VCF-style: chrX-32468509-G-A. GRCh37 (hg19) VCF-style: chrX-32486626-G-A.
Other names: NP_003997.1:p.Arg1051*; c.3127C>T, p.Arg1043Ter (NM_000109.4); c.3139C>T, p.Arg1047Ter (NM_004009.3); c.2782C>T, p.Arg928Ter (NM_004010.3); short protein forms R1051*, R928*, R1043*, R1047*.
Identifiers: ClinVar variation 94576 (VCV000094576.67), dbSNP rs398123929, ClinGen allele CA266988.

ClinVar aggregate classification (germline): Pathogenic. Review status: criteria provided, multiple submitters, no conflicts (2 of 4 stars). 13 submissions from 13 submitters: Pathogenic (13). Last evaluated 2026-01-19.

Conditions:
Becker muscular dystrophy, Cardiomyopathy, Duchenne muscular dystrophy, Dystrophin deficiency.
Dilated cardiomyopathy 3B (CMD3B). Also called: CMD3B: DMD-Related Dilated Cardiomyopathy; CARDIOMYOPATHY, DILATED, X-LINKED; DMD-Associated Dilated Cardiomyopathy. Identifiers: Orphanet 154, MedGen C3668940, MONDO:0010542, OMIM 302045.
Duchenne muscular dystrophy (DMD). Also called: MUSCULAR DYSTROPHY, PSEUDOHYPERTROPHIC PROGRESSIVE, DUCHENNE TYPE; Duchenne Muscular Dystrophy (DMD). Identifiers: Orphanet 98896, MedGen C0013264, MONDO:0010679, OMIM 310200.
Becker muscular dystrophy (BMD). Also called: MUSCULAR DYSTROPHY, PSEUDOHYPERTROPHIC PROGRESSIVE, BECKER TYPE; Becker Muscular Dystrophy (BMD). Identifiers: Orphanet 98895, MedGen C0917713, MONDO:0010311, OMIM 300376.
Neuromuscular disease caused by qualitative or quantitative defects of dystrophin. Also called: Qualitative or quantitative defects of dystrophin. Identifiers: Orphanet 207085, MedGen C5679787, MONDO:0016147.

Allele frequency attached by ClinVar (database versions not stated): gnomAD exomes below 0.00001.
gnomAD v4.1: 2 of 1,205,010 alleles (0.00017%); highest among the groups gnomAD compares: Non-Finnish European, 0.00022%; no homozygotes.

Submissions (13):

Labcorp Genetics (formerly Invitae), Labcorp
Classification: Pathogenic for Duchenne muscular dystrophy. Last evaluated: 2026-01-19. Review status: criteria provided, single submitter. Criteria: Invitae Variant Classification Sherloc (09022015). Collection method: clinical testing. Allele origin: germline.
Comment: This sequence change creates a premature translational stop signal (p.Arg1051*) in the DMD gene. It is expected to result in an absent or disrupted protein product. Loss-of-function variants in DMD are known to be pathogenic (PMID: 16770791, 25007885). This variant is not present in population databases (gnomAD no frequency). This premature translational stop signal has been observed in individuals with Duchenne muscular dystrophy (PMID: 11710958, 18652600, 19409785, 21515508). Invitae Evidence Modeling of clinical and family history, age, sex, and reported ancestry of multiple individuals with this DMD variant has been performed. This variant is expected to be pathogenic with a positive predictive value of at least 99%. This is a validated machine learning model that incorporates the clinical features of 600,801 individuals referred to our laboratory for DMD testing. ClinVar contains an entry for this variant (Variation ID: 94576). For these reasons, this variant has been classified as Pathogenic.

3billion
Classification: Pathogenic for Duchenne muscular dystrophy. Last evaluated: 2025-12-25. Review status: criteria provided, single submitter. Criteria: ACMG Guidelines, 2015. Collection method: clinical testing. Allele origin: germline. Affected: yes.
Comment: The variant is observed at an extremely low frequency in the gnomAD v4.1.0 dataset (total allele frequency: <0.001%). Predicted Consequence/Location: Stop-gained (nonsense): predicted to result in a loss or disruption of normal protein function through nonsense-mediated decay (NMD) or protein truncation. Multiple pathogenic variants are reported downstream of the variant. The variant has been reported at least twice as pathogenic with clinical assertions and evidence for the classification (ClinVar ID: VCV000094576 /PMID: 11710958 /3billion dataset). Therefore, this variant is classified as Pathogenic according to the recommendation of ACMG/AMP guideline.

Clinical Biomedical Laboratory, Shriners Hospital For Children - Canada
Classification: Pathogenic for Duchenne muscular dystrophy. Last evaluated: 2025-10-05. Review status: criteria provided, single submitter. Criteria: ACMG Guidelines, 2015. Collection method: clinical testing. Allele origin: germline. Affected: yes.
Comment: This variant is predicted to substitute an arginine residue by a stop codon in exon 23 of DMD. Premature stop codons in DMD are associated with Duchenne Muscular Dystrophy. This variant is absent from the Genome Aggregation Database (v2.1.1).

Natera, Inc.
Classification: Pathogenic for Becker muscular dystrophy, Cardiomyopathy, Duchenne muscular dystrophy, Dystrophin deficiency. Last evaluated: 2025-08-10. Review status: criteria provided, single submitter. Criteria: Natera Variant Classification Schema (03/2026). Collection method: clinical testing. Allele origin: germline.
Comment: The c.3151C>T variant in DMD is a nonsense variant predicted to introduce a stop codon at amino acid 1051. This variant is expected to result in nonsense mediated decay, truncation, or a dysfunctional protein product. This variant is rare in the general population with a frequency below the threshold expected for the associated phenotype(s). This variant has been observed in affected individual(s) with monoallelic occurrence (heterozygous/hemizygous) (PMID: 33003980, 31443951, 18652600). Given the available evidence, this variant is classified as Pathogenic.

ARUP Laboratories, Molecular Genetics and Genomics, ARUP Laboratories
Classification: Pathogenic. Last evaluated: 2024-04-19. Review status: criteria provided, single submitter. Criteria: ARUP Molecular Germline Variant Investigation Process 2024. Collection method: clinical testing. Allele origin: germline.
Comment: The DMD c.3151C>T; p.Arg1051Ter variant (rs398123929, ClinVar ID: 94576) is reported in the literature in multiple individuals affected with Duchenne muscular dystrophy (Almomani 2009, Bennett 2001, Takeshima 2010, Torella 2020). This variant is absent from the Genome Aggregation Database (v2.1.1), indicating it is not a common polymorphism. This variant induces an early termination codon and is predicted to result in a truncated protein or mRNA subject to nonsense-mediated decay. Based on available information, this variant is considered to be pathogenic. References: Almomani R et al. Rapid and cost effective detection of small mutations in the DMD gene by high resolution melting curve analysis. Neuromuscul Disord. 2009 Jun;19(6):383-90. PMID: 19409785. Bennett RR et al. Detection of mutations in the dystrophin gene via automated DHPLC screening and direct sequencing. BMC Genet. 2001;2:17. PMID: 11710958. Takeshima Y et al. Mutation spectrum of the dystrophin gene in 442 Duchenne/Becker muscular dystrophy cases from one Japanese referral center. J Hum Genet. 2010 Jun;55(6):379-88. PMID: 20485447. Torella A et al. The position of nonsense mutations can predict the phenotype severity: A survey on the DMD gene. PLoS One. 2020 Aug 19;15(8):e0237803. PMID: 32813700.

GeneDx
Classification: Pathogenic. Last evaluated: 2023-09-28. Review status: criteria provided, single submitter. Criteria: GeneDx Variant Classification Process June 2021. Collection method: clinical testing. Allele origin: germline. Affected: yes.
Comment: Nonsense variant predicted to result in protein truncation or nonsense mediated decay in a gene for which loss of function is a known mechanism of disease; Not observed in large population cohorts (gnomAD); Based on the understanding of this genetic alteration, it may be amenable to nonsense read-through therapy that is currently available or in clinical trial; This variant is associated with the following publications: (PMID: 26743743, 31443951, 11710958, 37724986, 29973226, 25525159, 21515508, 19959795, 18652600, 19409785, 30342905, 36790923, 32813700, 34539555)

Women's Health and Genetics/Laboratory Corporation of America, LabCorp
Classification: Pathogenic for Neuromuscular disease caused by qualitative or quantitative defects of dystrophin. Last evaluated: 2021-05-24. Review status: criteria provided, single submitter. Criteria: LabCorp Variant Classification Summary - May 2015. Collection method: clinical testing. Allele origin: germline.
Comment: Variant summary: DMD c.3151C>T (p.Arg1051X) results in a premature termination codon, predicted to cause a truncation of the encoded protein or absence of the protein due to nonsense mediated decay, which are commonly known mechanisms for disease. Truncations downstream of this position have been classified as pathogenic by our laboratory. The variant was absent in 169867 control chromosomes (gnomAD). c.3151C>T has been reported in the literature in individuals affected with Dystrophinopathies (Bennett_2001, Almomani_2009, Torella_2009, Yamamoto_2018). These data indicate that the variant is likely to be associated with disease. To our knowledge, no experimental evidence demonstrating an impact on protein function has been reported. Six ClinVar submitters (evaluation after 2014) cite the variant as pathogenic. Based on the evidence outlined above, the variant was classified as pathogenic.

Revvity Omics, Revvity
Classification: Pathogenic. Last evaluated: 2021-02-03. Review status: criteria provided, single submitter. Criteria: ACMG Guidelines, 2015. Collection method: clinical testing. Allele origin: germline.

Kariminejad - Najmabadi Pathology & Genetics Center
Classification: Pathogenic for Duchenne muscular dystrophy. Last evaluated: 2021-01-31. Review status: criteria provided, single submitter. Criteria: ACMG Guidelines, 2015. Collection method: clinical testing. Allele origin: germline. Inheritance: X-linked inheritance. Affected: yes.
Comment: PVS1,PM2,PP5

Athena Diagnostics
Classification: Pathogenic. Last evaluated: 2020-03-12. Review status: criteria provided, single submitter. Criteria: Athena Diagnostics Criteria. Collection method: clinical testing. Allele origin: unknown.
Comment: The variant creates a premature nonsense codon, and is therefore predicted to result in the loss of a functional protein. Found in at least one patient with expected phenotype for this gene, and not found in general population data.

Fulgent Genetics
Classification: Pathogenic for Becker muscular dystrophy; Dilated cardiomyopathy 3B; Duchenne muscular dystrophy. Last evaluated: 2018-10-31. Review status: criteria provided, single submitter. Criteria: ACMG Guidelines, 2015. Collection method: clinical testing. Allele origin: unknown.

CeGaT Center for Human Genetics Tuebingen
Classification: Pathogenic. Last evaluated: 2016-11-01. Review status: criteria provided, single submitter. Criteria: CeGaT Center For Human Genetics Tuebingen Variant Classification Criteria Version 2. Collection method: clinical testing. Allele origin: germline. Affected: yes. Observed: 1 variant allele.

Eurofins Ntd Llc (ga)
Classification: Pathogenic. Last evaluated: 2016-09-19. Review status: criteria provided, single submitter. Criteria: EGL Classification Definitions 2015. Collection method: clinical testing. Allele origin: germline. Observed: 3 variant alleles, 1 heterozygote, 2 hemizygotes.

Literature cited by the submitters: PubMed 16770791 (cited by Labcorp Genetics (formerly Invitae), Labcorp); PubMed 25007885 (cited by Labcorp Genetics (formerly Invitae), Labcorp); PubMed 11710958 (cited by 4 submitters); PubMed 18652600 (cited by 3 submitters); PubMed 19409785 (cited by 3 submitters); PubMed 21515508 (cited by Labcorp Genetics (formerly Invitae), Labcorp and Athena Diagnostics); PubMed 33003980 (cited by Natera, Inc.); PubMed 31443951 (cited by Natera, Inc.); PubMed 19959795 (cited by Women's Health and Genetics/Laboratory Corporation of America, LabCorp); PubMed 29874176 (cited by Women's Health and Genetics/Laboratory Corporation of America, LabCorp).